The following continues an entry in ClinVar:

NM_000071.3(CBS):c.919G>A (p.Gly307Ser)

Gene: CBS. ClinVar aggregate classification (germline): Pathogenic. Pathogenic (19).

Submissions 13 to 24 of 24:

Myriad Genetics, Inc.
Classification: Pathogenic for Classic homocystinuria. Last evaluated: 2019-11-12. Review status: criteria provided, single submitter. Criteria: Myriad Women's Health Autosomal Recessive and X-Linked Classification Criteria (2019). Collection method: clinical testing. Allele origin: unknown.
Comment: NM_000071.2(CBS):c.919G>A(G307S) is classified as pathogenic in the context of CBS-related homocystinuria, and is associated with the B6-non-responsive form of this disease. Sources cited for classification include the following: PMID 9889017, 20506325, 7506602 and 22267502. Classification of NM_000071.2(CBS):c.919G>A(G307S) is based on the following criteria: This is a well-established pathogenic variant in the literature that has been observed more frequently in patients with clinical diagnoses than in healthy populations. Please note: this variant was assessed in the context of healthy population screening.

GeneDx
Classification: Pathogenic. Last evaluated: 2019-11-05. Review status: criteria provided, single submitter. Criteria: GeneDx Variant Classification Process June 2021. Collection method: clinical testing. Allele origin: germline. Affected: yes.
Comment: Common pathogenic variant found on approximately 70% of alleles in patients of Celtic origin with homocystinuria due to cystathionine beta-synthase (CBS) deficiency and is usually associated with a more severe non-B6 responsive phenotype (Urreizti et al., 2006); Functional studies found that G307S is associated with significantly decreased CBS enzyme activity compared to wild-type (Hu et al. 1993; Kozich et al. 2010; Hnizda et al. 2012); In silico analysis, which includes protein predictors and evolutionary conservation, supports a deleterious effect; This variant is associated with the following publications: (PMID: 25087612, 7581402, 14722927, 7564249, 17319270, 12552044, 8744616, 22267502, 23733603, 22069143, 7506602, 16479318, 30609409, 30187370, 12686134, 18280597, 12124992, 9361025, 25636110, 20506325)

Laboratory for Molecular Medicine, Mass General Brigham Personalized Medicine
Classification: Pathogenic for Classic homocystinuria. Last evaluated: 2019-05-08. Review status: criteria provided, single submitter. Criteria: LMM Criteria. Collection method: clinical testing. Allele origin: germline. Inheritance: Autosomal recessive inheritance. Observed: 1 variant allele.
Comment: The p.Gly307Ser variant in CBS has been reported in at least 11 homozygous, 4 compound heterozygous and 15 heterozygous (where the second variant has not been reported) probands with homocystinuria and segregated with disease in 5 affected family members (Hu 1993, Dawson 1996, Stabler 2013, Gallagher 1995, Moat 2004). It was also reported in 1 heterozygous individual with homocystinuria and reversible cerebral white matter abnormalities who was also heterozygous for the MTHFR c.677C>T variant (Ismayilova 2019). This variant has been reported in ClinVar (ClinVar ID 117). In addition, in vitro functional studies provide evidence that the variant leads to impaired protein function (Hu 1993, Hnizda 2012, Kozich 2010, Mayfield 2012). This variant has also been identified in 41/129158 of European chromosomes by gnomAD. However, this frequency is low enough to be consistent with a recessive carrier frequency. In summary, this variant meets criteria to be classified as pathogenic for autosomal recessive homocystinuria. ACMG/AMP Criteria applied: PM3_very_strong, PP1_strong, PS3_supporting.

Illumina Laboratory Services, Illumina
Classification: Pathogenic for Classic homocystinuria. Last evaluated: 2017-04-27. Review status: criteria provided, single submitter. Criteria: ICSL Variant Classification Criteria 09 May 2019. Collection method: clinical testing. Allele origin: germline.
Comment: The CBS c.919G>A (p.Gly307Ser) variant is well described as a common pathogenic allele in individuals with homocystinuria of Celtic origin, accounting for 71% of disease associated alleles in Ireland, 21% in the UK and 8% in the US (Moat et al. 2004). The presence of a single allele almost always predicts non-responsiveness to pyroxidine therapy. The p.Gly307Ser variant has been reported in at least six studies in which it is found in a total of 44 individuals including 14 in a homozygous state (including two pairs of siblings), ten in a compound heterozygous state (four of whom were related), and 20 heterozygotes in whom a second allele has not yet been identified (Hu et al. 1993; Gallagher et al. 1995; Kim et al. 1997; Kelly et al. 2003; Moat et al. 2004; Stabler et al. 2013). The variant was also found in at least three unaffected heterozygous relatives. The variant was absent from 82 control chromosomes but is reported at a frequency of 0.00026 in the European (non-Finnish) population of the Exome Aggregation Consortium. Functional studies have demonstrated that the Gly307 residue is located in the catalytic site of the protein and results in the production of correctly assembled tetramers that are slightly unfolded with a shift towards unfolded intermediates. The catalytic activity of the p.Gly307Ser variant protein is completely abolished (Hu et al. 1993; Hnizda et al. 2012). Based on the collective evidence, the p.Gly307Ser variant is classified as pathogenic for homocystinuria. This variant was observed by ICSL as part of a predisposition screen in an ostensibly healthy population.

Women's Health and Genetics/Laboratory Corporation of America, LabCorp
Classification: Pathogenic for Homocystinuria. Last evaluated: 2017-04-06. Review status: criteria provided, single submitter. Criteria: LabCorp Variant Classification Summary - May 2015. Collection method: clinical testing. Allele origin: germline.
Comment: Variant summary: The CBS c.919G>A (p.Gly307Ser) variant involves the alteration of a conserved nucleotide. 5/5 in silico tools predict a damaging outcome for this variant. This variant was found in 19/121292 control chromosomes at a frequency of 0.0001566, which does not exceed the estimated maximal expected allele frequency of a pathogenic CBS variant (0.0030414). This variant has been reported in many affected individuals and functional study showed variant with <1% activity in comparison with WT (Kozich_2010). In addition, multiple clinical diagnostic laboratories/reputable databases classified this variant as pathogenic. Taken together, this variant is classified as pathogenic.

Eurofins Ntd Llc (ga)
Classification: Pathogenic. Last evaluated: 2014-11-20. Review status: criteria provided, single submitter. Criteria: EGL Classification Definitions. Collection method: clinical testing. Allele origin: germline. Observed: 11 variant alleles, 10 heterozygotes, 1 homozygote.

Juno Genomics, Hangzhou Juno Genomics, Inc
Classification: Pathogenic for Classic homocystinuria. Review status: criteria provided, single submitter. Criteria: ACMG Guidelines, 2015. Collection method: clinical testing. Allele origin: germline.
Comment: Absent from controls (or at extremely low frequency if recessive) in Genome Aggregation Database.;Multiple lines of computational evidence support a deleterious effect on the gene or gene product.;For recessive disorders, detected in trans with a pathogenic variant.;Patient's phenotype or family history is highly specific for a disease with a single genetic etiology.

PreventionGenetics, part of Exact Sciences
Classification: Pathogenic for CBS-related condition. Last evaluated: 2024-05-17. Review status: no assertion criteria provided. Collection method: clinical testing. Allele origin: germline. Not counted in ClinVar's aggregate classification.
Comment: The CBS c.919G>A variant is predicted to result in the amino acid substitution p.Gly307Ser. This variant is one of the most commonly reported CBS variants causative for homocystinuria due to cystathionine beta-synthase deficiency (e.g., Gallagher et al. 1995. PubMed ID: 7581402; Kraus et al. 1999. PubMed ID: 10338090). In experimental studies, the p.Gly307Ser substitution has been shown to greatly impair CBS enzyme activity (Kozich et al. 2010. PubMed ID: 20506325; Mayfield et al. 2012. PubMed ID: 22267502). This variant is reported in 0.032% of alleles in individuals of European (Non-Finnish) descent in gnomAD. This variant is interpreted as pathogenic.

OMIM
Classification: Pathogenic for HOMOCYSTINURIA, PYRIDOXINE-NONRESPONSIVE. Last evaluated: 2003-01-28. Review status: no assertion criteria provided. Collection method: literature only. Allele origin: germline. Not counted in ClinVar's aggregate classification.

OMIM
Classification: Pathogenic for HYPERHOMOCYSTEINEMIA, THROMBOTIC, CBS-RELATED. Last evaluated: 2003-01-28. Review status: no assertion criteria provided. Collection method: literature only. Allele origin: germline. Not counted in ClinVar's aggregate classification.

Child Health and Human Development Program, Research Institute of the McGill University Health Center
Classification: Pathogenic for Classic homocystinuria. Review status: no assertion criteria provided. Collection method: clinical testing. Allele origin: unknown. Inheritance: Autosomal recessive inheritance. Affected: yes. Observed: 1 compound heterozygote. Not counted in ClinVar's aggregate classification.
Comment: Clinical characteristics included lens dislocation and elevated fasting homocysteine.

GeneReviews
No classification provided. Condition: Classic homocystinuria. Review status: no classification provided. Collection method: literature only. Allele origin: germline. Not counted in ClinVar's aggregate classification.

Literature cited by the submitters: PubMed 7506602 (cited by 7 submitters); PubMed 7581402 (cited by 5 submitters); PubMed 8744616 (cited by 4 submitters); PubMed 9889017 (cited by 4 submitters); PubMed 23733603 (cited by 5 submitters); PubMed 20506325 (cited by 6 submitters); PubMed 22267502 (cited by 5 submitters); PubMed 12124992 (cited by Natera, Inc. and Women's Health and Genetics/Laboratory Corporation of America, LabCorp); PubMed 14722927 (cited by 4 submitters); PubMed 22069143 (cited by 4 submitters); PubMed 9361025 (cited by 4 submitters); PubMed 12552044 (cited by 3 submitters); PubMed 12686134 (cited by Ambry Genetics); PubMed 17319270 (cited by Ambry Genetics); PubMed 18280597 (cited by Ambry Genetics); PubMed 25087612 (cited by Ambry Genetics); Gu, Z., Ramesh, V., Kozich, V., Korson, M. S., Kraus, J. P., Shih, V. E. Identification of a molecular genetic defect in homocystinuria due to cystathionine beta-synthase deficiency. (Abstract) Am. J. Hum. Genet. 49: 406-only, 1991. (cited by OMIM); PubMed 7564249 (cited by OMIM); NCBI Bookshelf NBK1524 (cited by GeneReviews).